The following is an entry in ClinVar:

NM_001184880.2(PCDH19):c.896C>T (p.Thr299Ile)

Gene: PCDH19 (protocadherin 19; minus strand). Cytogenetic location: Xq22.1.
Variant type: single nucleotide variant.
Coding change: c.896C>T on transcript NM_001184880.2 (MANE Select); coding-DNA position 896, C replaced by T.
Protein change: p.Thr299Ile; replaces threonine 299 with isoleucine.
Molecular consequence: missense variant.
Genome position (GRCh38, 1-based): chrX:100,407,702, G>A on the plus strand (C>T on the coding strand, the complement: PCDH19 is on the minus strand). VCF-style: chrX-100407702-G-A. GRCh37 (hg19) VCF-style: chrX-99662700-G-A.
Other names: c.896C>T, p.Thr299Ile (NM_001105243.2, NM_020766.3); short protein forms T299I.
Identifiers: ClinVar variation 447922 (VCV000447922.3), dbSNP rs866113078, ClinGen allele CA333826080.

ClinVar aggregate classification (germline): Uncertain significance. Review status: criteria provided, multiple submitters, no conflicts (2 of 4 stars). 2 submissions from 2 submitters: Uncertain significance (2). Last evaluated 2024-06-30.

Conditions:
Developmental and epileptic encephalopathy, 9 (DEE9). Also called: Early infantile epileptic encephalopathy 9; EPILEPSY, FEMALE-RESTRICTED, WITH MENTAL RETARDATION; JUBERG-HELLMAN SYNDROME; PCDH19-Related X-Linked Female-Limited Epilepsy with Mental Retardation. Identifiers: Orphanet 101039, Orphanet 2076, MedGen C1848137, MONDO:0010246, OMIM 300088. Disease mechanism: loss of function.

Allele frequency attached by ClinVar (database versions not stated): gnomAD exomes 0.00001.

Submissions (2):

Labcorp Genetics (formerly Invitae), Labcorp
Classification: Uncertain significance for Developmental and epileptic encephalopathy, 9. Last evaluated: 2024-06-30. Review status: criteria provided, single submitter. Criteria: Invitae Variant Classification Sherloc (09022015). Collection method: clinical testing. Allele origin: germline.
Comment: This sequence change replaces threonine, which is neutral and polar, with isoleucine, which is neutral and non-polar, at codon 299 of the PCDH19 protein (p.Thr299Ile). This variant is present in population databases (no rsID available, gnomAD 0.003%). This variant has not been reported in the literature in individuals affected with PCDH19-related conditions. ClinVar contains an entry for this variant (Variation ID: 447922). Advanced modeling of protein sequence and biophysical properties (such as structural, functional, and spatial information, amino acid conservation, physicochemical variation, residue mobility, and thermodynamic stability) has been performed at Invitae for this missense variant, however the output from this modeling did not meet the statistical confidence thresholds required to predict the impact of this variant on PCDH19 protein function. In summary, the available evidence is currently insufficient to determine the role of this variant in disease. Therefore, it has been classified as a Variant of Uncertain Significance.

Athena Diagnostics
Classification: Uncertain significance. Last evaluated: 2016-09-22. Review status: criteria provided, single submitter. Criteria: Athena Diagnostics Criteria. Collection method: clinical testing. Allele origin: germline.